The following is an entry in ClinVar:

NM_024408.4(NOTCH2):c.2849T>C (p.Met950Thr)

Gene: NOTCH2 (notch receptor 2; minus strand). Cytogenetic location: 1p12.
Variant type: single nucleotide variant.
Coding change: c.2849T>C on transcript NM_024408.4 (MANE Select); coding-DNA position 2849, T replaced by C.
Protein change: p.Met950Thr; replaces methionine 950 with threonine.
Molecular consequence: missense variant.
Genome position (GRCh38, 1-based): chr1:119,941,658, A>G on the plus strand (T>C on the coding strand, the complement: NOTCH2 is on the minus strand). VCF-style: chr1-119941658-A-G. GRCh37 (hg19) VCF-style: chr1-120484281-A-G.
Other names: c.2849T>C, p.Met950Thr (NM_001200001.2); short protein forms M950T.
Identifiers: ClinVar variation 3587490 (VCV003587490.2).

ClinVar aggregate classification (germline): Uncertain significance. Review status: criteria provided, multiple submitters, no conflicts (2 of 4 stars). 2 submissions from 2 submitters: Uncertain significance (2). Last evaluated 2025-10-25.

Conditions:
Hajdu-Cheney syndrome (HJCYS). Also called: Acroosteolysis dominant type; ACROOSTEOLYSIS WITH OSTEOPOROSIS AND CHANGES IN SKULL AND MANDIBLE; SERPENTINE FIBULA-POLYCYSTIC KIDNEY SYNDROME. Identifiers: Orphanet 955, MedGen C0917715, MONDO:0007057, OMIM 102500.
Alagille syndrome due to a NOTCH2 point mutation. Also called: Alagille syndrome 2. Identifiers: Orphanet 261629, Orphanet 52, MedGen C1857761, MONDO:0012439, OMIM 610205.

gnomAD v4.1: 5 of 1,614,050 alleles (0.00031%); highest among the groups gnomAD compares: Non-Finnish European, 0.00042%; no homozygotes.

Submissions (2):

Labcorp Genetics (formerly Invitae), Labcorp
Classification: Uncertain significance for Hajdu-Cheney syndrome. Last evaluated: 2025-10-25. Review status: criteria provided, single submitter. Criteria: Invitae Variant Classification Sherloc (09022015). Collection method: clinical testing. Allele origin: germline.
Comment: This sequence change replaces methionine, which is neutral and non-polar, with threonine, which is neutral and polar, at codon 950 of the NOTCH2 protein (p.Met950Thr). This variant is present in population databases (no rsID available, gnomAD 0.0009%). This variant has not been reported in the literature in individuals affected with NOTCH2-related conditions. ClinVar contains an entry for this variant (Variation ID: 3587490). Invitae Evidence Modeling of protein sequence and biophysical properties (such as structural, functional, and spatial information, amino acid conservation, physicochemical variation, residue mobility, and thermodynamic stability) indicates that this missense variant is not expected to disrupt NOTCH2 protein function with a negative predictive value of 80%. In summary, the available evidence is currently insufficient to determine the role of this variant in disease. Therefore, it has been classified as a Variant of Uncertain Significance.

Fulgent Genetics
Classification: Uncertain significance for Hajdu-Cheney syndrome; Alagille syndrome due to a NOTCH2 point mutation. Last evaluated: 2024-01-30. Review status: criteria provided, single submitter. Criteria: ACMG Guidelines, 2015. Collection method: clinical testing. Allele origin: germline.